The following is an entry in ClinVar:

ClinVar aggregate classification (germline): Uncertain significance (1 of 4 stars; one submission).

Submission:

CeGaT Center for Human Genetics Tuebingen
Classification: Uncertain significance. Last evaluated: 2025-02-01. Review status: criteria provided, single submitter. Criteria: CeGaT Center For Human Genetics Tuebingen Variant Classification Criteria Version 2. Collection method: clinical testing. Allele origin: germline. Affected: yes. Observed: 1 variant allele.
Comment: FOXC2: PP3

NM_005251.3(FOXC2):c.830C>T (p.Thr277Ile)

Gene: FOXC2 (forkhead box C2; plus strand). Cytogenetic location: 16q24.1.
Variant type: single nucleotide variant.
Coding change: c.830C>T on transcript NM_005251.3 (MANE Select); coding-DNA position 830, C replaced by T.
Protein change: p.Thr277Ile; replaces threonine 277 with isoleucine.
Molecular consequence: missense variant.
Genome position (GRCh38, 1-based): chr16:86,568,165, C>T. VCF-style: chr16-86568165-C-T. GRCh37 (hg19) VCF-style: chr16-86601771-C-T.
Other names: short protein forms T277I.
Identifiers: ClinVar variation 3772418 (VCV003772418.13).